The following is an entry in ClinVar:

ClinVar aggregate classification (germline): Pathogenic/Likely pathogenic. Review status: criteria provided, multiple submitters, no conflicts (2 of 4 stars). 2 submissions from 2 submitters: Pathogenic (1); Likely pathogenic (1). Last evaluated 2025-03-04.

Conditions:
Nemaline myopathy 2 (NEM2). Also called: Nemaline myopathy 2, autosomal recessive. Identifiers: MedGen C1850569, MONDO:0009725, OMIM 256030.
Nemaline myopathy. Also called: Myopathies, Nemaline. Identifiers: Orphanet 607, MedGen C0206157, MONDO:0018958.

gnomAD v4.1: 2 of 1,613,192 alleles (0.00012%); highest among the groups gnomAD compares: Non-Finnish European, 0.00017%; no homozygotes.

Submissions (2):

Broad Center for Mendelian Genomics, Broad Institute of MIT and Harvard
Classification: Likely pathogenic for Nemaline myopathy. Last evaluated: 2025-03-04. Review status: criteria provided, single submitter. Criteria: ACMG Guidelines, 2015. Collection method: curation. Allele origin: germline. Inheritance: Autosomal recessive inheritance.
Comment: The c.21313-680C>T (p.Gln7136Ter) variant in NEB has been reported, in the compound heterozygous state, in 1 individual with nemaline myopathy (PMID: 25205138), and has been identified in 0.0002% (2/1179576) of European (non-Finnish) chromosomes by the Genome Aggregation Database (gnomAD; dbSNP ID: rs2153521056). Although this variant has been seen in the general population in a heterozygous state, its frequency is low enough to be consistent with a recessive carrier frequency. This variant has also been reported in ClinVar (Variation ID: 1382666) and has been interpreted as pathogenic by Invitae. This variant is located in the 5' splice region. Computational tools predict a splicing impact, though this information is not predictive enough to determine pathogenicity. This variant is adjacent to an in-frame exon and is more likely to escape nonsense mediated decay (NMD) and result in a truncated protein. In-frame exon skipping of the NEB gene is an established disease mechanism in autosomal recessive nemaline myopathy. In summary, although additional studies are required to fully establish its clinical significance, this variant is likely pathogenic for autosomal recessive nemaline myopathy. ACMG/AMP Criteria applied: PVS1_strong, PM2_supporting, PM3_supporting (Richards 2015).

Labcorp Genetics (formerly Invitae), Labcorp
Classification: Pathogenic for Nemaline myopathy 2. Last evaluated: 2021-11-26. Review status: criteria provided, single submitter. Criteria: Invitae Variant Classification Sherloc (09022015). Collection method: clinical testing. Allele origin: germline.
Comment: This sequence change creates a premature translational stop signal (p.Gln7136*) in the NEB gene. It is expected to result in an absent or disrupted protein product. Loss-of-function variants in NEB are known to be pathogenic (PMID: 25205138). This variant is not present in population databases (gnomAD no frequency). This premature translational stop signal has been observed in individual(s) with nemaline myopathy (PMID: 25205138). For these reasons, this variant has been classified as Pathogenic.

Literature cited by the submitters: PubMed 25205138 (cited by Labcorp Genetics (formerly Invitae), Labcorp).

NM_001164507.2(NEB):c.21406C>T (p.Gln7136Ter)

Genes: NEB (nebulin; minus strand), RIF1 (replication timing regulatory factor 1; plus strand). Cytogenetic location: 2q23.3.
Variant type: single nucleotide variant.
Coding change: c.21406C>T on transcript NM_001164507.2 (MANE Plus Clinical); coding-DNA position 21406, C replaced by T.
Protein change: p.Gln7136Ter; replaces glutamine 7136 with a stop codon.
Molecular consequence: nonsense. On other transcripts: intron variant (1).
Genome position (GRCh38, 1-based): chr2:151,534,226, G>A on the plus strand (C>T on the coding strand, the complement: NEB is on the minus strand). VCF-style: chr2-151534226-G-A. GRCh37 (hg19) VCF-style: chr2-152390740-G-A.
Other names: NM_001164507.2(NEB):c.21406C>T; p.Gln7136Ter; c.21406C>T, p.Gln7136Ter (NM_001271208.2); c.16303C>T, p.Gln5435Ter (NM_004543.5); c.21313-680C>T (NM_001164508.2); short protein forms Q5435*, Q7136*.
Identifiers: ClinVar variation 1382666 (VCV001382666.7), dbSNP rs2153521056, ClinGen allele CA348772124.